The following is an entry in ClinVar:

NM_001080414.4(CCDC88C):c.2819T>C (p.Leu940Pro)

Gene: CCDC88C (coiled-coil and HOOK domain protein 88C; minus strand). Cytogenetic location: 14q32.11.
Variant type: single nucleotide variant.
Coding change: c.2819T>C on transcript NM_001080414.4 (MANE Select); coding-DNA position 2819, T replaced by C.
Protein change: p.Leu940Pro; replaces leucine 940 with proline.
Molecular consequence: missense variant.
Genome position (GRCh38, 1-based): chr14:91,309,904, A>G on the plus strand (T>C on the coding strand, the complement: CCDC88C is on the minus strand). VCF-style: chr14-91309904-A-G. GRCh37 (hg19) VCF-style: chr14-91776248-A-G.
Other names: short protein forms L940P.
Identifiers: ClinVar variation 2288295 (VCV002288295.3), dbSNP rs370961953, ClinGen allele CA7309548.

ClinVar aggregate classification (germline): Uncertain significance (1 of 4 stars; one submission).

Conditions:
Inborn genetic diseases. Identifiers: MedGen C0950123, MeSH D030342.

Allele frequency attached by ClinVar (database versions not stated): ESP Exome Variant Server 0.00008; gnomAD 0.00008; TOPMed 0.00008; ExAC 0.00012; gnomAD exomes 0.00028.
gnomAD v4.1: 406 of 1,611,600 alleles (0.025%); highest among the groups gnomAD compares: Non-Finnish European, 0.033%; no homozygotes.

Submission:

Ambry Genetics
Classification: Uncertain significance for Inborn genetic diseases. Last evaluated: 2026-02-09. Review status: criteria provided, single submitter. Criteria: Ambry Variant Classification Scheme 2023. Collection method: clinical testing. Allele origin: germline.
Comment: The c.2819T>C (p.L940P) alteration is located in exon 16 (coding exon 16) of the CCDC88C gene. This alteration results from a T to C substitution at nucleotide position 2819, causing the leucine (L) at amino acid position 940 to be replaced by a proline (P). Based on data from gnomAD, the C allele has an overall frequency of 0.013% (35/275692) total alleles studied. The highest observed frequency was 0.023% (29/126120) of European (non-Finnish) alleles. Based on insufficient or conflicting evidence, the clinical significance of this alteration remains unclear.